The following is an entry in ClinVar:

ClinVar aggregate classification (germline): Pathogenic. Review status: criteria provided, multiple submitters, no conflicts (2 of 4 stars). 6 submissions from 6 submitters: Pathogenic (3). 3 of the submissions do not count toward it. Last evaluated 2024-11-07.

Conditions:
Aldosterone-producing adenoma with seizures and neurological abnormalities. Also called: Primary aldosteronism, seizures, and neurologic abnormalities. Identifiers: Orphanet 369929, MedGen C3809609, MONDO:0014200, OMIM 615474.

Submissions (6):

GeneDx
Classification: Pathogenic. Last evaluated: 2024-11-07. Review status: criteria provided, single submitter. Criteria: GeneDx Variant Classification Process June 2021. Collection method: clinical testing. Allele origin: germline. Affected: yes.
Comment: Not observed at significant frequency in large population cohorts (gnomAD); Published functional studies suggest a damaging effect on channel function (PMID: 23913001); In silico analysis supports that this missense variant has a deleterious effect on protein structure/function; This variant is associated with the following publications: (PMID: 37432431, 36007526, 32583268, 31137773, 23913001, 28318089)

Labcorp Genetics (formerly Invitae), Labcorp
Classification: Pathogenic. Last evaluated: 2023-08-10. Review status: criteria provided, single submitter. Criteria: Invitae Variant Classification Sherloc (09022015). Collection method: clinical testing. Allele origin: germline.
Comment: This sequence change replaces glycine, which is neutral and non-polar, with aspartic acid, which is acidic and polar, at codon 403 of the CACNA1D protein (p.Gly403Asp). This variant is not present in population databases (gnomAD no frequency). This missense change has been observed in individual(s) with CACNA1D-related conditions (PMID: 23913001, 28318089). In at least one individual the variant was observed to be de novo. ClinVar contains an entry for this variant (Variation ID: 66072). Advanced modeling of protein sequence and biophysical properties (such as structural, functional, and spatial information, amino acid conservation, physicochemical variation, residue mobility, and thermodynamic stability) performed at Invitae indicates that this missense variant is expected to disrupt CACNA1D protein function. Experimental studies have shown that this missense change affects CACNA1D function (PMID: 23913001). For these reasons, this variant has been classified as Pathogenic.

Athena Diagnostics
Classification: Pathogenic. Last evaluated: 2020-06-10. Review status: criteria provided, single submitter. Criteria: Athena Diagnostics Criteria. Collection method: clinical testing. Allele origin: unknown.
Comment: Assessment of experimental evidence suggests this is gain-of-function variant (PMID: 23913001).This variant has not been reported in large, multi-ethnic general populations. This observation is not an independent occurrence and has been identified in the same individual by RCIGM, the other laboratory participating in the GEMINI study.

Division of Human Genetics, Children's Hospital of Philadelphia
Classification: Likely pathogenic for Primary aldosteronism, seizures, and neurologic abnormalities. Last evaluated: 2015-01-14. Review status: no assertion criteria provided. Collection method: research. Allele origin: de novo. Affected: yes. Study: CSER-PediSeq. Not counted in ClinVar's aggregate classification.
Comment: The variant (c.1208G>A) is likely pathogenic because it was previously reported as a de novo alteration in a patient with primary aldosteronism, seizures, and global developmental delays (Scholl et al. 2013, PMID: 23913001). Electrophysiological study of this variant showed that it was comparable to a different mutation at amino acid position 403 (p.Gly403Arg) found in an adrenal aldosterone-producing adenoma that is activated at less depolarizing potentials and impairs the inactivation of the wildtype allele (Scholl et al. 2013, PMID: 23913001). This variant does not occur in ExAC 0.3 even though this genomic region is well-covered.

OMIM
Classification: Pathogenic for PRIMARY ALDOSTERONISM, SEIZURES, AND NEUROLOGIC ABNORMALITIES. Last evaluated: 2013-09-01. Review status: no assertion criteria provided. Collection method: literature only. Allele origin: germline. Not counted in ClinVar's aggregate classification.

Richard Lifton Laboratory, Yale University School of Medicine
Classification: Likely pathogenic. Review status: no assertion criteria provided. Collection method: not provided. Allele origin: germline. Not counted in ClinVar's aggregate classification.
Comment: CACNA1D
ClinVar note: Converted during submission from probable-pathogenic to Likely pathogenic.

Literature cited by the submitters: PubMed 23913001 (cited by 3 submitters); PubMed 28318089 (cited by Labcorp Genetics (formerly Invitae), Labcorp).

NM_000720.4(CACNA1D):c.1208G>A (p.Gly403Asp)

Gene: CACNA1D (calcium voltage-gated channel subunit alpha1 D; plus strand). Cytogenetic location: 3p21.1.
Variant type: single nucleotide variant.
Coding change: c.1208G>A on transcript NM_000720.4 (MANE Plus Clinical); coding-DNA position 1208, G replaced by A.
Protein change: p.Gly403Asp; replaces glycine 403 with aspartic acid.
Molecular consequence: missense variant. On other transcripts: intron variant (2).
Genome position (GRCh38, 1-based): chr3:53,673,804, G>A. VCF-style: chr3-53673804-G-A. GRCh37 (hg19) VCF-style: chr3-53707831-G-A.
Other names: c.1220+678G>A (NM_001128840.3, NM_001128839.3); short protein forms G403D.
Identifiers: ClinVar variation 66072 (VCV000066072.8), dbSNP rs386834264, ClinGen allele CA144864.
Genomic context (GRCh38, chr3:53,673,804, plus strand): 5'-GGGTGTATTTTGTTAGTCTGATCATCCTTGGCTCATTTTTCGTCCTTAACCTGGTTCTTG[G>A]TGTCCTTAGTGGGTAAGCAGTCGGATCCGTGTTGCACCTTCTCCTGCTGCCACGTGTGAG-3'
Protein context (NP_000711.1, residues 393-413): GSFFVLNLVL[Gly403Asp]VLSGEFSKER